The following is an entry in ClinVar:

ClinVar aggregate classification (germline): Likely pathogenic. Review status: reviewed by expert panel (3 of 4 stars). 2 submissions from 2 submitters: Likely pathogenic (1). 1 of the submissions does not count toward it. Last evaluated 2019-06-21.

Conditions:
Lynch syndrome. Identifiers: Orphanet 144, MedGen C4552100, MONDO:0005835. Disease mechanism: loss of function.
Hereditary cancer-predisposing syndrome. Also called: Tumor predisposition; Hereditary Cancer Syndrome; Hereditary neoplastic syndrome; Neoplastic Syndromes, Hereditary. Identifiers: Orphanet 140162, MedGen C0027672, MeSH D009386, MONDO:0015356.

Submissions (2):

International Society for Gastrointestinal Hereditary Tumours (InSiGHT)
Classification: Likely pathogenic for Lynch syndrome. Last evaluated: 2019-06-21. Review status: reviewed by expert panel. Criteria: Guidelines v2.4. Collection method: curation. Allele origin: germline. Affected: yes.
Comment: Interrupts canonical donor splice site

Ambry Genetics
Classification: Pathogenic for Hereditary cancer-predisposing syndrome. Last evaluated: 2020-09-22. Review status: criteria provided, single submitter. Criteria: Ambry Variant Classification Scheme 2023. Collection method: clinical testing. Allele origin: germline. Not counted in ClinVar's aggregate classification.
Comment: The c.3647-6_3647-1delTAACAG intronic pathogenic mutation, located in intron 7 of the MSH6 gene, results from a deletion of 6 nucleotides within intron 7 of the MSH6 gene. This nucleotide region is well conserved in available vertebrate species. This mutation has been reported in multiple individuals having features of hereditary non-polyposis colorectal cancer (HNPCC)/Lynch syndrome with isolated loss of MSH6 by immunohistochemistry in their colorectal or uterine/endometrial tumors (Ambry internal data; Nilbert M et al. Fam. Cancer, 2009 Jun;8:75-83; Klarskov L et al. Am. J. Surg. Pathol., 2011 Sep;35:1391-9; Okkels H et al. Appl. Immunohistochem. Mol. Morphol., 2012 Oct;20:470-7). In silico splice site analysis predicts that this alteration will weaken the native splice acceptor site and will result in the creation or strengthening of a novel splice acceptor site. Alterations that disrupt the canonical splice site are expected to cause aberrant splicing, resulting in an abnormal protein or a transcript that is subject to nonsense-mediated mRNA decay. As such, this alteration is classified as a disease-causing mutation.

Literature cited by the submitters: PubMed 18566915 (cited by Ambry Genetics); PubMed 21836479 (cited by Ambry Genetics); PubMed 22495361 (cited by Ambry Genetics).

NM_000179.3(MSH6):c.3647-6_3647-1del

Gene: MSH6 (mutS homolog 6; plus strand). Cytogenetic location: 2p16.3.
Variant type: Deletion.
Coding change: c.3647-6_3647-1del on transcript NM_000179.3 (MANE Select); 6 bases into the intron before coding-DNA position 3647 through the canonical splice acceptor site of the intron before coding-DNA position 3647, 6 bases deleted (TAACAG; older notation c.3647-6_3647-1delTAACAG).
Molecular consequence: splice acceptor variant.
Genome position (GRCh38, 1-based): chr2:47,806,198-47,806,203, TAACAG deleted. VCF-style (leftmost placement, unchanged base first): chr2-47806197-TTAACAG-T. GRCh37 (hg19) VCF-style: chr2-48033336-TTAACAG-T.
Other names: c.2741-6_2741-1del (NM_001281493.2, NM_001281494.2); c.3257-6_3257-1del (NM_001281492.2); c.3647-6_3647-1delTAACAG (NM_000179.2).
Identifiers: ClinVar variation 89440 (VCV000089440.5), dbSNP rs267608112, ClinGen allele CA330546.